The following is an entry in ClinVar:

ClinVar aggregate classification (germline): Uncertain significance (1 of 4 stars; one submission).

Submission:

Labcorp Genetics (formerly Invitae), Labcorp
Classification: Uncertain significance. Last evaluated: 2024-05-31. Review status: criteria provided, single submitter. Criteria: Invitae Variant Classification Sherloc (09022015). Collection method: clinical testing. Allele origin: germline.
Comment: This sequence change replaces arginine, which is basic and polar, with glycine, which is neutral and non-polar, at codon 1138 of the POLR3A protein (p.Arg1138Gly). This variant is not present in population databases (gnomAD no frequency). This variant has not been reported in the literature in individuals affected with POLR3A-related conditions. Advanced modeling of protein sequence and biophysical properties (such as structural, functional, and spatial information, amino acid conservation, physicochemical variation, residue mobility, and thermodynamic stability) performed at Invitae indicates that this missense variant is not expected to disrupt POLR3A protein function with a negative predictive value of 80%. In summary, the available evidence is currently insufficient to determine the role of this variant in disease. Therefore, it has been classified as a Variant of Uncertain Significance.

NM_007055.4(POLR3A):c.3412A>G (p.Arg1138Gly)

Gene: POLR3A (RNA polymerase III subunit A; minus strand). Cytogenetic location: 10q22.3.
Variant type: single nucleotide variant.
Coding change: c.3412A>G on transcript NM_007055.4 (MANE Select); coding-DNA position 3412, A replaced by G.
Protein change: p.Arg1138Gly; replaces arginine 1138 with glycine.
Molecular consequence: missense variant.
Genome position (GRCh38, 1-based): chr10:77,983,937, T>C on the plus strand (A>G on the coding strand, the complement: POLR3A is on the minus strand). VCF-style: chr10-77983937-T-C. GRCh37 (hg19) VCF-style: chr10-79743695-T-C.
Other names: short protein forms R1138G.
Identifiers: ClinVar variation 3655187 (VCV003655187.2).